The following is an entry in ClinVar:

ClinVar aggregate classification (germline): Uncertain significance. Review status: criteria provided, multiple submitters, no conflicts (2 of 4 stars). 2 submissions from 2 submitters: Uncertain significance (2). Last evaluated 2025-08-09.

Conditions:
Inborn genetic diseases. Identifiers: MedGen C0950123, MeSH D030342.

Allele frequency attached by ClinVar (database versions not stated): TOPMed 0.00002; gnomAD 0.00002.

Submissions (2):

Ambry Genetics
Classification: Uncertain significance for Inborn genetic diseases. Last evaluated: 2025-08-09. Review status: criteria provided, single submitter. Criteria: Ambry Variant Classification Scheme 2023. Collection method: clinical testing. Allele origin: germline.

Labcorp Genetics (formerly Invitae), Labcorp
Classification: Uncertain significance. Last evaluated: 2022-06-24. Review status: criteria provided, single submitter. Criteria: Invitae Variant Classification Sherloc (09022015). Collection method: clinical testing. Allele origin: germline.
Comment: This sequence change replaces leucine, which is neutral and non-polar, with phenylalanine, which is neutral and non-polar, at codon 10 of the TOP3A protein (p.Leu10Phe). This variant is present in population databases (rs780458241, gnomAD 0.02%). This variant has not been reported in the literature in individuals affected with TOP3A-related conditions. Algorithms developed to predict the effect of missense changes on protein structure and function output the following: SIFT: "Not Available"; PolyPhen-2: "Benign"; Align-GVGD: "Not Available". The phenylalanine amino acid residue is found in multiple mammalian species, which suggests that this missense change does not adversely affect protein function. In summary, the available evidence is currently insufficient to determine the role of this variant in disease. Therefore, it has been classified as a Variant of Uncertain Significance.

NM_004618.5(TOP3A):c.28C>T (p.Leu10Phe)

Genes: TOP3A (DNA topoisomerase III alpha; minus strand), LOC130060427 (ATAC-STARR-seq lymphoblastoid active region 11836; plus strand). Cytogenetic location: 17p11.2.
Variant type: single nucleotide variant.
Coding change: c.28C>T on transcript NM_004618.5 (MANE Select); coding-DNA position 28, C replaced by T.
Protein change: p.Leu10Phe; replaces leucine 10 with phenylalanine.
Molecular consequence: missense variant. On other transcripts: 5 prime UTR variant (1).
Genome position (GRCh38, 1-based): chr17:18,314,751, G>A on the plus strand (C>T on the coding strand, the complement: TOP3A is on the minus strand). VCF-style: chr17-18314751-G-A. GRCh37 (hg19) VCF-style: chr17-18218065-G-A.
Other names: c.-184C>T (NM_001320759.2); c.28C>T (NM_004618.3); short protein forms L10F.
Identifiers: ClinVar variation 2085893 (VCV002085893.2), dbSNP rs780458241, ClinGen allele CA8430372.